The following is an entry in ClinVar:

ClinVar aggregate classification (germline): Uncertain significance. Review status: criteria provided, multiple submitters, no conflicts (2 of 4 stars). 3 submissions from 3 submitters: Uncertain significance (3). Last evaluated 2024-12-09.

Conditions:
Ataxia - intellectual disability - oculomotor apraxia - cerebellar cysts syndrome. Also called: Poretti-Boltshauser syndrome. Identifiers: Orphanet 370022, MedGen C4014821, MONDO:0014419, OMIM 615960.

Allele frequency attached by ClinVar (database versions not stated): ExAC 0.00002; gnomAD exomes 0.00003 and 0.00011; gnomAD 0.00011; TOPMed 0.00011; ESP Exome Variant Server 0.00015.
gnomAD v4.1: 170 of 1,614,032 alleles (0.011%); highest among the groups gnomAD compares: Non-Finnish European, 0.014%; no homozygotes.

Submissions (3):

Labcorp Genetics (formerly Invitae), Labcorp
Classification: Uncertain significance. Last evaluated: 2024-12-09. Review status: criteria provided, single submitter. Criteria: Invitae Variant Classification Sherloc (09022015). Collection method: clinical testing. Allele origin: germline.
Comment: This sequence change replaces proline, which is neutral and non-polar, with serine, which is neutral and polar, at codon 842 of the LAMA1 protein (p.Pro842Ser). This variant is present in population databases (rs149208354, gnomAD 0.009%). This variant has not been reported in the literature in individuals affected with LAMA1-related conditions. ClinVar contains an entry for this variant (Variation ID: 1030929). An algorithm developed to predict the effect of missense changes on protein structure and function (PolyPhen-2) suggests that this variant is likely to be disruptive. In summary, the available evidence is currently insufficient to determine the role of this variant in disease. Therefore, it has been classified as a Variant of Uncertain Significance.

Blueprint Genetics
Classification: Uncertain significance. Last evaluated: 2023-04-04. Review status: criteria provided, single submitter. Criteria: ACMG Guidelines, 2015. Collection method: clinical testing. Allele origin: germline.

Baylor Genetics
Classification: Uncertain significance for Ataxia - intellectual disability - oculomotor apraxia - cerebellar cysts syndrome. Last evaluated: 2020-07-13. Review status: criteria provided, single submitter. Criteria: ACMG Guidelines, 2015. Collection method: clinical testing. Allele origin: unknown. Affected: yes.
Comment: This variant was determined to be of uncertain significance according to ACMG Guidelines, 2015 [PMID:25741868].

NM_005559.4(LAMA1):c.2524C>T (p.Pro842Ser)

Gene: LAMA1 (laminin subunit alpha 1; minus strand). Cytogenetic location: 18p11.31.
Variant type: single nucleotide variant.
Coding change: c.2524C>T on transcript NM_005559.4 (MANE Select); coding-DNA position 2524, C replaced by T.
Protein change: p.Pro842Ser; replaces proline 842 with serine.
Molecular consequence: missense variant.
Genome position (GRCh38, 1-based): chr18:7,023,341, G>A on the plus strand (C>T on the coding strand, the complement: LAMA1 is on the minus strand). VCF-style: chr18-7023341-G-A. GRCh37 (hg19) VCF-style: chr18-7023340-G-A.
Other names: short protein forms P842S.
Identifiers: ClinVar variation 1030929 (VCV001030929.6), dbSNP rs149208354, ClinGen allele CA8882611.